The following is an entry in ClinVar:

NM_004006.3(DMD):c.1813G>T (p.Val605Phe)

Gene: DMD (dystrophin; minus strand). Cytogenetic location: Xp21.1.
Variant type: single nucleotide variant.
Coding change: c.1813G>T on transcript NM_004006.3 (MANE Select); coding-DNA position 1813, G replaced by T.
Protein change: p.Val605Phe; replaces valine 605 with phenylalanine.
Molecular consequence: missense variant.
Genome position (GRCh38, 1-based): chrX:32,565,881, C>A on the plus strand (G>T on the coding strand, the complement: DMD is on the minus strand). VCF-style: chrX-32565881-C-A. GRCh37 (hg19) VCF-style: chrX-32583998-C-A.
Other names: c.1789G>T, p.Val597Phe (NM_000109.4); c.1801G>T, p.Val601Phe (NM_004009.3); c.1444G>T, p.Val482Phe (NM_004010.3); short protein forms V597F, V605F, V482F, V601F.
Identifiers: ClinVar variation 3702501 (VCV003702501.2).
Genomic context (GRCh38, chrX:32,565,881, plus strand): 5'-GTTTGAGTGAATACAGTTTGCCCATGGATTGCTTTTTCTTTTCTAGATCCGCTTTTAAAA[C>A]CTGTTAAAACAAGAAAGATCACAGAATAAGCCTGGGTTGCATTCCATACACCACTATAGT-3'
Protein context (NP_003997.2, residues 595-615): EMLSSLQKLA[Val605Phe]LKADLEKKKQ

ClinVar aggregate classification (germline): Uncertain significance (1 of 4 stars; one submission).

Conditions:
Duchenne muscular dystrophy (DMD). Also called: MUSCULAR DYSTROPHY, PSEUDOHYPERTROPHIC PROGRESSIVE, DUCHENNE TYPE; Duchenne Muscular Dystrophy (DMD). Identifiers: Orphanet 98896, MedGen C0013264, MONDO:0010679, OMIM 310200.

gnomAD v4.1: 2 of 1,204,798 alleles (0.00017%); highest among the groups gnomAD compares: Non-Finnish European, 0.00022%; no homozygotes.

Submission:

Labcorp Genetics (formerly Invitae), Labcorp
Classification: Uncertain significance for Duchenne muscular dystrophy. Last evaluated: 2024-03-29. Review status: criteria provided, single submitter. Criteria: Invitae Variant Classification Sherloc (09022015). Collection method: clinical testing. Allele origin: germline.
Comment: This sequence change replaces valine, which is neutral and non-polar, with phenylalanine, which is neutral and non-polar, at codon 605 of the DMD protein (p.Val605Phe). This variant is not present in population databases (gnomAD no frequency). This variant has not been reported in the literature in individuals affected with DMD-related conditions. An algorithm developed to predict the effect of missense changes on protein structure and function (PolyPhen-2) suggests that this variant is likely to be tolerated. In summary, the available evidence is currently insufficient to determine the role of this variant in disease. Therefore, it has been classified as a Variant of Uncertain Significance.